The following is an entry in ClinVar:

ClinVar aggregate classification (germline): Uncertain significance. Review status: criteria provided, multiple submitters, no conflicts (2 of 4 stars). 2 submissions from 2 submitters: Uncertain significance (2). Last evaluated 2021-09-26.

Conditions:
Spastic ataxia 2. Also called: Ataxia, spastic, 2, autosomal recessive. Identifiers: Orphanet 397946, MedGen C1969796, MONDO:0012651, OMIM 611302.

Allele frequency attached by ClinVar (database versions not stated): TOPMed 0.00001; gnomAD exomes 0.00001; ExAC 0.00001; gnomAD 0.00001.

Submissions (2):

Department of Pathology and Laboratory Medicine, Sinai Health System
Classification: Uncertain significance for Spastic ataxia 2. Last evaluated: 2021-09-26. Review status: criteria provided, single submitter. Criteria: ACMG Guidelines, 2015. Collection method: research. Allele origin: germline.

GeneDx
Classification: Uncertain significance. Last evaluated: 2017-08-31. Review status: criteria provided, single submitter. Criteria: GeneDx Variant Classification (06012015). Collection method: clinical testing. Allele origin: germline. Affected: yes.
Comment: A variant of uncertain significance has been identified in the KIF1C gene. The R163Q variant has not been published as a pathogenic variant, nor has it been reported as a benign variant to our knowledge. The R163Q variant is not observed at a significant frequency in large population cohorts (Lek et al., 2016; 1000 Genomes Consortium et al., 2015; Exome Variant Server). This substitution occurs at a position where amino acids with similar properties to Arginine are tolerated across species. However, the R163Q variant is a semi-conservative amino acid substitution, which may impact secondary protein structure as these residues differ in some properties. In silico analysis is inconsistent in its predictions as to whether or not the variant is damaging to the protein structure/function. Therefore, based on the currently available information, it is unclear whether this variant is a pathogenic variant or a rare benign variant.

NM_006612.6(KIF1C):c.488G>A (p.Arg163Gln)

Gene: KIF1C (kinesin family member 1C; plus strand). Cytogenetic location: 17p13.2.
Variant type: single nucleotide variant.
Coding change: c.488G>A on transcript NM_006612.6 (MANE Select); coding-DNA position 488, G replaced by A.
Protein change: p.Arg163Gln; replaces arginine 163 with glutamine.
Molecular consequence: missense variant.
Genome position (GRCh38, 1-based): chr17:5,002,522, G>A. VCF-style: chr17-5002522-G-A. GRCh37 (hg19) VCF-style: chr17-4905817-G-A.
Other names: short protein forms R163Q.
Identifiers: ClinVar variation 451810 (VCV000451810.3), dbSNP rs747834094, ClinGen allele CA8318584.
Genomic context (GRCh38, chr17:5,002,522, plus strand): 5'-AGGTGAGCTATATGGAGATCTACTGTGAGCGGGTACGAGACCTCTTGAACCCCAAGAGTC[G>A]GGGTTCTCTGCGGGTCCGGGAGCACCCCATCCTGGGCCCGTACGTGCAGGACCTGTCCAA-3'
Protein context (NP_006603.2, residues 153-173): RVRDLLNPKS[Arg163Gln]GSLRVREHPI